The following is an entry in ClinVar:

ClinVar aggregate classification (germline): Uncertain significance (1 of 4 stars; one submission).

Conditions:
Glanzmann thrombasthenia. Also called: BLEEDING DISORDER, PLATELET-TYPE, 2; THROMBASTHENIA OF GLANZMANN AND NAEGELI; PLATELET GLYCOPROTEIN IIb-IIIa DEFICIENCY; Glanzmann's thrombasthenia; Thrombasthenia. Identifiers: Orphanet 849, MedGen C0040015, MONDO:0100326.

gnomAD v4.1: 2 of 1,613,834 alleles (0.00012%); highest among the groups gnomAD compares: East Asian, 0.0022%; no homozygotes.

Submission:

Labcorp Genetics (formerly Invitae), Labcorp
Classification: Uncertain significance for Glanzmann thrombasthenia. Last evaluated: 2026-01-18. Review status: criteria provided, single submitter. Criteria: Invitae Variant Classification Sherloc (09022015). Collection method: clinical testing. Allele origin: germline.
Comment: This sequence change replaces glycine, which is neutral and non-polar, with arginine, which is basic and polar, at codon 331 of the ITGA2B protein (p.Gly331Arg). This variant is present in population databases (rs770849599, gnomAD 0.01%). This variant has not been reported in the literature in individuals affected with ITGA2B-related conditions. Invitae Evidence Modeling of protein sequence and biophysical properties (such as structural, functional, and spatial information, amino acid conservation, physicochemical variation, residue mobility, and thermodynamic stability) indicates that this missense variant is expected to disrupt ITGA2B protein function with a positive predictive value of 95%. In summary, the available evidence is currently insufficient to determine the role of this variant in disease. Therefore, it has been classified as a Variant of Uncertain Significance.

NM_000419.5(ITGA2B):c.991G>A (p.Gly331Arg)

Gene: ITGA2B (integrin subunit alpha 2b; minus strand). Cytogenetic location: 17q21.31.
Variant type: single nucleotide variant.
Coding change: c.991G>A on transcript NM_000419.5 (MANE Select); coding-DNA position 991, G replaced by A.
Protein change: p.Gly331Arg; replaces glycine 331 with arginine.
Molecular consequence: missense variant.
Genome position (GRCh38, 1-based): chr17:44,383,901, C>T on the plus strand (G>A on the coding strand, the complement: ITGA2B is on the minus strand). VCF-style: chr17-44383901-C-T. GRCh37 (hg19) VCF-style: chr17-42461269-C-T.
Other names: short protein forms G331R.
Identifiers: ClinVar variation 4752599 (VCV004752599.1).
Genomic context (GRCh38, chr17:44,383,901, plus strand): 5'-GCTCTGGTAATTTGGGACCCAACTGGGTAGGGGTGGGGCATGTCCCTCCTCACCCATCCC[C>T]GTTGACGTCAGTGACAGCCACTGAATGCCCAAAATACGACGCCATCTGCAAGATGAGGAG-3'
Protein context (NP_000410.2, residues 321-341): GHSVAVTDVN[Gly331Arg]DGRHDLLVGA